The following is an entry in ClinVar:

NM_015202.5(KATNIP):c.3504G>T (p.Glu1168Asp)

Gene: KATNIP (katanin interacting protein; plus strand). Cytogenetic location: 16p12.1.
Variant type: single nucleotide variant.
Coding change: c.3504G>T on transcript NM_015202.5 (MANE Select); coding-DNA position 3504, G replaced by T.
Protein change: p.Glu1168Asp; replaces glutamic acid 1168 with aspartic acid.
Molecular consequence: missense variant.
Genome position (GRCh38, 1-based): chr16:27,751,876, G>T. VCF-style: chr16-27751876-G-T. GRCh37 (hg19) VCF-style: chr16-27763197-G-T.
Other names: short protein forms E1168D.
Identifiers: ClinVar variation 1682069 (VCV001682069.5), dbSNP rs1277864334, ClinGen allele CA395328174.

ClinVar aggregate classification (germline): Uncertain significance (1 of 4 stars; one submission).

gnomAD v4.1: 5 of 1,613,512 alleles (0.00031%); highest among the groups gnomAD compares: Non-Finnish European, 0.00042%; no homozygotes.

Submission:

Labcorp Genetics (formerly Invitae), Labcorp
Classification: Uncertain significance. Last evaluated: 2022-06-05. Review status: criteria provided, single submitter. Criteria: Invitae Variant Classification Sherloc (09022015). Collection method: clinical testing. Allele origin: germline.
Comment: Algorithms developed to predict the effect of missense changes on protein structure and function output the following: SIFT: "Tolerated"; PolyPhen-2: "Benign"; Align-GVGD: "Class C0". The aspartic acid amino acid residue is found in multiple mammalian species, which suggests that this missense change does not adversely affect protein function. In summary, the available evidence is currently insufficient to determine the role of this variant in disease. Therefore, it has been classified as a Variant of Uncertain Significance. This variant has not been reported in the literature in individuals affected with KIAA0556-related conditions. This variant is not present in population databases (gnomAD no frequency). This sequence change replaces glutamic acid, which is acidic and polar, with aspartic acid, which is acidic and polar, at codon 1168 of the KIAA0556 protein (p.Glu1168Asp).